The following is an entry in ClinVar:

NM_001267550.2(TTN):c.107425del (p.Asp35809fs)

Genes: TTN (titin; minus strand), TTN-AS1 (TTN antisense RNA 1; plus strand). Cytogenetic location: 2q31.2.
Variant type: Deletion.
Coding change: c.107425del on transcript NM_001267550.2 (MANE Select); coding-DNA position 107425, one base deleted (G; older notation c.107425delG).
Protein change: p.Asp35809fs; shifts the reading frame from aspartic acid 35809.
Molecular consequence: frameshift variant.
Genome position (GRCh38, 1-based): chr2:178,527,701, C deleted on the plus strand (G on the coding strand, the reverse complement: TTN is on the minus strand). VCF-style (leftmost placement, unchanged base first): chr2-178527700-TC-T. GRCh37 (hg19) VCF-style: chr2-179392427-TC-T.
Other names: c.102502del, p.Asp34168fs (NM_001256850.1); c.80230del, p.Asp26744fs (NM_003319.4); c.99721del, p.Asp33241fs (NM_133378.4); c.80605del, p.Asp26869fs (NM_133432.3); c.80806del, p.Asp26936fs (NM_133437.4); short protein forms D26744fs, D26869fs, D26936fs, D33241fs, D34168fs, D35809fs.
Identifiers: ClinVar variation 3233249 (VCV003233249.2), dbSNP rs2468252206.
Genomic context (GRCh38, chr2:178,527,700, plus strand): 5'-TCCTGCTTGGAGGCAGACATTTGGACTGACTGAGACGAGAAGCTTCCTTGCAAGCTTGTG[TC>T]ACCACTTGTTCTCAATACTACCTCTCTGGAAGGTTCTTCAACTAGAGCTGTGGAGCATAG-3'

ClinVar aggregate classification (germline): Likely pathogenic (1 of 4 stars; one submission).

Conditions:
Centronuclear myopathy (CNM). Also called: Centronuclear myopathy, congenital; Myotubular myopathy. Identifiers: Orphanet 595, MedGen C0175709, MONDO:0018947. Inheritance: All.

Submission:

Muscle and Diseases Team, Institut de Génétique et Biologie Moléculaire et Cellulaire
Classification: Likely pathogenic for Centronuclear myopathy. Last evaluated: 2024-03-01. Review status: criteria provided, single submitter. Criteria: ACMG Guidelines, 2015. Collection method: research. Allele origin: unknown. Affected: yes. Observed: 1 variant allele.
Comment: PVS1+PM2

Literature cited by the submitters: DOI 10.1186/s13073-024-01353-0.